The following is an entry in ClinVar:

ClinVar aggregate classification (germline): Uncertain significance. Review status: criteria provided, multiple submitters, no conflicts (2 of 4 stars). 3 submissions from 3 submitters: Uncertain significance (3). Last evaluated 2026-01-27.

Conditions:
Inborn genetic diseases. Identifiers: MedGen C0950123, MeSH D030342.
CLCN2-related disorder. Also called: CLCN2-related condition; CLCN2-related disorders.

Submissions (3):

Labcorp Genetics (formerly Invitae), Labcorp
Classification: Uncertain significance. Last evaluated: 2026-01-27. Review status: criteria provided, single submitter. Criteria: Invitae Variant Classification Sherloc (09022015). Collection method: clinical testing. Allele origin: germline.
Comment: This sequence change replaces lysine, which is basic and polar, with arginine, which is basic and polar, at codon 608 of the CLCN2 protein (p.Lys608Arg). This variant is not present in population databases (gnomAD no frequency). This variant has not been reported in the literature in individuals affected with CLCN2-related conditions. ClinVar contains an entry for this variant (Variation ID: 2635114). Invitae Evidence Modeling of protein sequence and biophysical properties (such as structural, functional, and spatial information, amino acid conservation, physicochemical variation, residue mobility, and thermodynamic stability) indicates that this missense variant is not expected to disrupt CLCN2 protein function with a negative predictive value of 80%. In summary, the available evidence is currently insufficient to determine the role of this variant in disease. Therefore, it has been classified as a Variant of Uncertain Significance.

Ambry Genetics
Classification: Uncertain significance for Inborn genetic diseases. Last evaluated: 2025-01-04. Review status: criteria provided, single submitter. Criteria: Ambry Variant Classification Scheme 2023. Collection method: clinical testing. Allele origin: germline.

PreventionGenetics, part of Exact Sciences
Classification: Uncertain significance for CLCN2-related condition. Last evaluated: 2022-11-15. Review status: criteria provided, single submitter. Criteria: ACMG Guidelines, 2015. Collection method: clinical testing. Allele origin: germline.
Comment: The CLCN2 c.1823A>G variant is predicted to result in the amino acid substitution p.Lys608Arg. To our knowledge, this variant has not been reported in the literature or in a large population database, indicating this variant is rare. At this time, the clinical significance of this variant is uncertain due to the absence of conclusive functional and genetic evidence.

NM_004366.6(CLCN2):c.1823A>G (p.Lys608Arg)

Gene: CLCN2 (chloride voltage-gated channel 2; minus strand). Cytogenetic location: 3q27.1.
Variant type: single nucleotide variant.
Coding change: c.1823A>G on transcript NM_004366.6 (MANE Select); coding-DNA position 1823, A replaced by G.
Protein change: p.Lys608Arg; replaces lysine 608 with arginine.
Molecular consequence: missense variant.
Genome position (GRCh38, 1-based): chr3:184,353,694, T>C on the plus strand (A>G on the coding strand, the complement: CLCN2 is on the minus strand). VCF-style: chr3-184353694-T-C. GRCh37 (hg19) VCF-style: chr3-184071482-T-C.
Other names: c.1772A>G, p.Lys591Arg (NM_001171087.3); c.1691A>G, p.Lys564Arg (NM_001171088.3); c.1823A>G, p.Lys608Arg (NM_001171089.3); c.1823A>G (NM_004366.4); short protein forms K564R, K591R, K608R.
Identifiers: ClinVar variation 2635114 (VCV002635114.5), dbSNP rs978035885, ClinGen allele CA88894198.